The following is an entry in ClinVar:

NM_001080453.3(INTS1):c.5399G>A (p.Arg1800Gln)

Gene: INTS1 (integrator complex subunit 1; minus strand). Cytogenetic location: 7p22.3.
Variant type: single nucleotide variant.
Coding change: c.5399G>A on transcript NM_001080453.3 (MANE Select); coding-DNA position 5399, G replaced by A.
Protein change: p.Arg1800Gln; replaces arginine 1800 with glutamine.
Molecular consequence: missense variant.
Genome position (GRCh38, 1-based): chr7:1,476,051, C>T on the plus strand (G>A on the coding strand, the complement: INTS1 is on the minus strand). VCF-style: chr7-1476051-C-T. GRCh37 (hg19) VCF-style: chr7-1515687-C-T.
Other names: c.1916G>A, p.Arg639Gln (NM_015674.1); short protein forms R1800Q, R639Q.
Identifiers: ClinVar variation 1805960 (VCV001805960.4), dbSNP rs1337007462, ClinGen allele CA366582806.

ClinVar aggregate classification (germline): Uncertain significance. Review status: criteria provided, multiple submitters, no conflicts (2 of 4 stars). 2 submissions from 2 submitters: Uncertain significance (2). Last evaluated 2022-05-27.

Conditions:
Inborn genetic diseases. Identifiers: MedGen C0950123, MeSH D030342.
Neurodevelopmental disorder with cataracts, poor growth, and dysmorphic facies. Identifiers: MedGen C5231414, MONDO:0032817, OMIM 618571.

Allele frequency attached by ClinVar (database versions not stated): TOPMed below 0.00001.
gnomAD v4.1: 14 of 1,544,734 alleles (0.00091%); highest among the groups gnomAD compares: East Asian, 0.0024%; no homozygotes.

Submissions (2):

Ambry Genetics
Classification: Uncertain significance for Inborn genetic diseases. Last evaluated: 2022-05-27. Review status: criteria provided, single submitter. Criteria: Ambry Variant Classification Scheme 2023. Collection method: clinical testing. Allele origin: germline.

Victorian Clinical Genetics Services, Murdoch Childrens Research Institute
Classification: Uncertain significance for Neurodevelopmental disorder with cataracts, poor growth, and dysmorphic facies. Last evaluated: 2020-05-26. Review status: criteria provided, single submitter. Criteria: ACMG Guidelines, 2015. Collection method: clinical testing. Allele origin: germline. Inheritance: Autosomal recessive inheritance. Affected: yes.
Comment: Based on the classification scheme VCGS_Germline_v1.1.1, this variant is classified as 3C-VUS. Following criteria are met: 0102 - Loss-of-function is a known mechanism of disease for this gene. (N) 0106 - This gene is known to be associated with autosomal recessive disease. (N) 0200 - Variant is predicted to result in a missense amino acid change from arginine to glutamine (exon 39). (N) 0251 - Variant is heterozygous. (N) 0301 - Variant is absent from gnomAD. (P) 0309 - An alternative amino acid change at the same position has been observed in gnomAD (1 heterozygote, 0 homozygotes). (N) 0504 - Same amino acid change has been observed in mammals. (B) 0604 - Variant is not located in an established domain, motif, hotspot or informative constraint region. (N) 0705 - No comparable variants have previous evidence for pathogenicity. (N) 0807 - Variant has not previously been reported in a clinical context. (N) 0905 - No segregation evidence has been identified for this variant. (N) 1007 - No published functional evidence has been identified for this variant. (N) 1208 - Inheritance information for this variant is not currently available. (N) Legend: (P) - Pathogenic, (N) - Neutral, (B) - Benign